The following is an entry in ClinVar:

NM_152381.6(XIRP2):c.8505A>G (p.Leu2835=)

Gene: XIRP2 (xin actin binding repeat containing 2; plus strand). Cytogenetic location: 2q24.3.
Variant type: single nucleotide variant.
Coding change: c.8505A>G on transcript NM_152381.6 (MANE Select); coding-DNA position 8505, A replaced by G.
Protein change: p.Leu2835=; no amino-acid change (leucine 2835 retained).
Molecular consequence: synonymous variant. On other transcripts: intron variant (3).
Genome position (GRCh38, 1-based): chr2:167,249,897, A>G. VCF-style: chr2-167249897-A-G. GRCh37 (hg19) VCF-style: chr2-168106407-A-G.
Other names: c.7839A>G, p.Leu2613= (NM_001199144.2); c.1276-4135A>G (NM_001199143.2); c.1177-4135A>G (NM_001079810.4); c.511-4135A>G (NM_001199145.2); c.8505A>G (NM_152381.5).
Identifiers: ClinVar variation 729119 (VCV000729119.7), dbSNP rs78453442, ClinGen allele CA1947834.

ClinVar aggregate classification (germline): Benign. Review status: criteria provided, multiple submitters, no conflicts (2 of 4 stars). 3 submissions from 3 submitters: Benign (2). 1 of the submissions does not count toward it. Last evaluated 2019-12-31.

Conditions:
XIRP2-related disorder. Also called: XIRP2-related condition.

Allele frequency attached by ClinVar (database versions not stated): gnomAD exomes 0.00062; ExAC 0.00073; ESP Exome Variant Server 0.00261; gnomAD 0.00276 and 0.00292; 1000 Genomes Project 30x 0.00281; 1000 Genomes Project 0.00300; TOPMed 0.00326.
gnomAD v4.1: 892 of 1,613,500 alleles (0.055%); highest among the groups gnomAD compares: African/African-American, 0.98%; 4 homozygotes.

Submissions (3):

Labcorp Genetics (formerly Invitae), Labcorp
Classification: Benign. Last evaluated: 2019-12-31. Review status: criteria provided, single submitter. Criteria: Invitae Variant Classification Sherloc (09022015). Collection method: clinical testing. Allele origin: germline.

Breakthrough Genomics
Classification: Benign. Review status: criteria provided, single submitter. Criteria: ACMG Guidelines, 2015. Collection method: not provided. Allele origin: germline. Inheritance: Unknown mechanism. Affected: yes.

PreventionGenetics, part of Exact Sciences
Classification: Benign for XIRP2-related condition. Last evaluated: 2019-10-28. Review status: no assertion criteria provided. Collection method: clinical testing. Allele origin: germline. Not counted in ClinVar's aggregate classification.
Comment: This variant is classified as benign based on ACMG/AMP sequence variant interpretation guidelines (Richards et al. 2015 PMID: 25741868, with internal and published modifications).